The following is an entry in ClinVar:

NM_015662.3(IFT172):c.3523G>A (p.Val1175Ile)

Genes: IFT172 (intraflagellar transport 172; minus strand), LOC126806173 (BRD4-independent group 4 enhancer GRCh37_chr2:27676057-27677256; plus strand). Cytogenetic location: 2p23.3.
Variant type: single nucleotide variant.
Coding change: c.3523G>A on transcript NM_015662.3 (MANE Select); coding-DNA position 3523, G replaced by A.
Protein change: p.Val1175Ile; replaces valine 1175 with isoleucine.
Molecular consequence: missense variant.
Genome position (GRCh38, 1-based): chr2:27,454,361, C>T on the plus strand (G>A on the coding strand, the complement: IFT172 is on the minus strand). VCF-style: chr2-27454361-C-T. GRCh37 (hg19) VCF-style: chr2-27677228-C-T.
Other names: c.3523G>A (NM_015662.2); c.3457G>A, p.Val1153Ile (NM_001410739.1); short protein forms V1153I, V1175I.
Identifiers: ClinVar variation 2194609 (VCV002194609.6), dbSNP rs780334650, ClinGen allele CA1579960.

ClinVar aggregate classification (germline): Uncertain significance. Review status: criteria provided, single submitter (1 of 4 stars). 2 submissions from 2 submitters: Uncertain significance (1). 1 of the submissions does not count toward it. Last evaluated 2023-11-20.

Conditions:
Retinitis pigmentosa 71 (RP71). Identifiers: Orphanet 791, MedGen C4225342, MONDO:0014618, OMIM 616394.
Short-rib thoracic dysplasia 10 with or without polydactyly (SRTD10). Identifiers: Orphanet 474, MedGen C3810175, MONDO:0014284, OMIM 615630.
IFT172-related disorder. Also called: IFT172-related condition; IFT172-related disorders.

Allele frequency attached by ClinVar (database versions not stated): ExAC 0.00001; gnomAD exomes 0.00001.
gnomAD v4.1: 3 of 1,614,204 alleles (0.00019%); highest among the groups gnomAD compares: Non-Finnish European, 0.00025%; no homozygotes.

Submissions (2):

Labcorp Genetics (formerly Invitae), Labcorp
Classification: Uncertain significance for Retinitis pigmentosa 71; Short-rib thoracic dysplasia 10 with or without polydactyly. Last evaluated: 2023-11-20. Review status: criteria provided, single submitter. Criteria: Invitae Variant Classification Sherloc (09022015). Collection method: clinical testing. Allele origin: germline.
Comment: This sequence change replaces valine, which is neutral and non-polar, with isoleucine, which is neutral and non-polar, at codon 1175 of the IFT172 protein (p.Val1175Ile). This variant is present in population databases (rs780334650, gnomAD 0.0009%). This variant has not been reported in the literature in individuals affected with IFT172-related conditions. ClinVar contains an entry for this variant (Variation ID: 2194609). Advanced modeling of protein sequence and biophysical properties (such as structural, functional, and spatial information, amino acid conservation, physicochemical variation, residue mobility, and thermodynamic stability) performed at Invitae indicates that this missense variant is not expected to disrupt IFT172 protein function with a negative predictive value of 80%. In summary, the available evidence is currently insufficient to determine the role of this variant in disease. Therefore, it has been classified as a Variant of Uncertain Significance.

PreventionGenetics, part of Exact Sciences
Classification: Uncertain significance for IFT172-related condition. Last evaluated: 2024-02-09. Review status: no assertion criteria provided. Collection method: clinical testing. Allele origin: germline. Not counted in ClinVar's aggregate classification.
Comment: The IFT172 c.3523G>A variant is predicted to result in the amino acid substitution p.Val1175Ile. To our knowledge, this variant has not been reported in the literature. This variant is reported in 0.00088% of alleles in individuals of European (Non-Finnish) descent in gnomAD. At this time, the clinical significance of this variant is uncertain due to the absence of conclusive functional and genetic evidence.